The following is an entry in ClinVar:

ClinVar aggregate classification (germline): Uncertain significance (1 of 4 stars; one submission).

Conditions:
Neurofibromatosis, type 1 (NF1). Also called: Peripheral type neurofibromatosis; Neurofibromatosis, type I; NEUROFIBROMATOSIS, TYPE I, SOMATIC; VON RECKLINGHAUSEN DISEASE. Identifiers: Orphanet 636, MedGen C0027831, MONDO:0018975, OMIM 162200. Disease mechanism: loss of function.

Submission:

Labcorp Genetics (formerly Invitae), Labcorp
Classification: Uncertain significance for Neurofibromatosis, type 1. Last evaluated: 2025-12-21. Review status: criteria provided, single submitter. Criteria: Invitae Variant Classification Sherloc (09022015). Collection method: clinical testing. Allele origin: germline.
Comment: This sequence change replaces valine, which is neutral and non-polar, with alanine, which is neutral and non-polar, at codon 207 of the NF1 protein (p.Val207Ala). This variant is not present in population databases (gnomAD no frequency). This variant has not been reported in the literature in individuals affected with NF1-related conditions. Invitae Evidence Modeling of protein sequence and biophysical properties (such as structural, functional, and spatial information, amino acid conservation, physicochemical variation, residue mobility, and thermodynamic stability) indicates that this missense variant is not expected to disrupt NF1 protein function with a negative predictive value of 95%. In summary, the available evidence is currently insufficient to determine the role of this variant in disease. Therefore, it has been classified as a Variant of Uncertain Significance.

NM_001042492.3(NF1):c.620T>C (p.Val207Ala)

Gene: NF1 (neurofibromin 1; plus strand). Cytogenetic location: 17q11.2.
Variant type: single nucleotide variant.
Coding change: c.620T>C on transcript NM_001042492.3 (MANE Select); coding-DNA position 620, T replaced by C.
Protein change: p.Val207Ala; replaces valine 207 with alanine.
Molecular consequence: missense variant.
Genome position (GRCh38, 1-based): chr17:31,181,455, T>C. VCF-style: chr17-31181455-T-C. GRCh37 (hg19) VCF-style: chr17-29508473-T-C.
Other names: c.620T>C, p.Val207Ala (NM_000267.4, NM_001128147.3); short protein forms V207A.
Identifiers: ClinVar variation 4810558 (VCV004810558.1).